The following is an entry in ClinVar:

ClinVar aggregate classification (germline): Uncertain significance (0 of 4 stars; one submission).

Conditions:
ATP1A1-related disorder. Also called: ATP1A1-related condition.

Submission:

PreventionGenetics, part of Exact Sciences
Classification: Uncertain significance for ATP1A1-related condition. Last evaluated: 2024-08-09. Review status: no assertion criteria provided. Collection method: clinical testing. Allele origin: germline.
Comment: The ATP1A1 c.343delT variant is predicted to result in a frameshift and premature protein termination (p.Tyr115Ilefs*26). To our knowledge, this variant has not been reported in the literature or in a large population database, indicating it is rare. Missense variants in ATP1A1 are associated with disease; however, premature termination of ATP1A1 has not been definitively established as pathogenic. Although we suspect that this variant may be pathogenic, at this time, the clinical significance is uncertain due to the absence of conclusive functional and genetic evidence.

NM_000701.8(ATP1A1):c.343del (p.Tyr115fs)

Gene: ATP1A1 (ATPase Na+/K+ transporting subunit alpha 1; plus strand). Cytogenetic location: 1p13.1.
Variant type: Deletion.
Coding change: c.343del on transcript NM_000701.8 (MANE Select); coding-DNA position 343, one base deleted (T; older notation c.343delT).
Protein change: p.Tyr115fs; shifts the reading frame from tyrosine 115.
Molecular consequence: frameshift variant.
Genome position (GRCh38, 1-based): chr1:116,387,447, T deleted; the last of 2 consecutive T bases (chr1:116,387,446-116,387,447); deleting either gives the same sequence. VCF-style (leftmost placement, unchanged base first): chr1-116387445-CT-C. GRCh37 (hg19) VCF-style: chr1-116930067-CT-C.
Other names: c.343del, p.Tyr115fs (NM_001160233.2); c.250del, p.Tyr84fs (NM_001160234.2); short protein forms Y115fs, Y84fs.
Identifiers: ClinVar variation 3346156 (VCV003346156.1).